The following is an entry in ClinVar:

NM_032578.4(MYPN):c.3591C>A (p.Gly1197=)

Gene: MYPN (myopalladin; plus strand). Cytogenetic location: 10q21.3.
Variant type: single nucleotide variant.
Coding change: c.3591C>A on transcript NM_032578.4 (MANE Select); coding-DNA position 3591, C replaced by A.
Protein change: p.Gly1197=; no amino-acid change (glycine 1197 retained).
Molecular consequence: synonymous variant. On other transcripts: non-coding transcript variant (2).
Genome position (GRCh38, 1-based): chr10:68,201,926, C>A. VCF-style: chr10-68201926-C-A. GRCh37 (hg19) VCF-style: chr10-69961683-C-A.
Other names: c.3591C>A, p.Gly1197= (NM_001256267.2); c.2709C>A, p.Gly903= (NM_001256268.2).
Identifiers: ClinVar variation 227721 (VCV000227721.17), dbSNP rs876657538, ClinGen allele CA10576803.

ClinVar aggregate classification (germline): Likely benign. Review status: criteria provided, multiple submitters, no conflicts (2 of 4 stars). 3 submissions from 3 submitters: Likely benign (3). Last evaluated 2024-11-27.

Conditions:
Cardiovascular phenotype. Identifiers: MedGen CN230736.
Dilated cardiomyopathy 1KK (CMD1KK). Identifiers: Orphanet 154, Orphanet 75249, MedGen C3714995, MONDO:0014100, OMIM 615248.

Allele frequency attached by ClinVar (database versions not stated): gnomAD exomes 0.00002; TOPMed 0.00002; gnomAD 0.00003.
gnomAD v4.1: 29 of 1,614,048 alleles (0.0018%); highest among the groups gnomAD compares: Non-Finnish European, 0.0022%; no homozygotes.

Submissions (3):

Labcorp Genetics (formerly Invitae), Labcorp
Classification: Likely benign for Dilated cardiomyopathy 1KK. Last evaluated: 2024-11-27. Review status: criteria provided, single submitter. Criteria: Invitae Variant Classification Sherloc (09022015). Collection method: clinical testing. Allele origin: germline.

Ambry Genetics
Classification: Likely benign for Cardiovascular phenotype. Last evaluated: 2022-06-14. Review status: criteria provided, single submitter. Criteria: Ambry Variant Classification Scheme 2023. Collection method: clinical testing. Allele origin: germline.

Laboratory for Molecular Medicine, Mass General Brigham Personalized Medicine
Classification: Likely benign. Last evaluated: 2015-07-07. Review status: criteria provided, single submitter. Criteria: LMM Criteria. Collection method: clinical testing. Allele origin: germline. Observed: 1 variant allele.
Comment: p.Gly1197Gly in exon 19 of MYPN: This variant is not expected to have clinical s ignificance because it does not alter an amino acid residue and is not located w ithin the splice consensus sequence.